The following is an entry in ClinVar:

ClinVar aggregate classification (germline): Uncertain significance. Review status: criteria provided, multiple submitters, no conflicts (2 of 4 stars). 2 submissions from 2 submitters: Uncertain significance (2). Last evaluated 2026-02-25.

Conditions:
Autosomal recessive limb-girdle muscular dystrophy type 2A (LGMDR1). Also called: Calpainopathy; Limb-girdle muscular dystrophy, type 2A; LEYDEN-MOEBIUS MUSCULAR DYSTROPHY; MUSCULAR DYSTROPHY, PELVOFEMORAL; Muscular dystrophy, limb-girdle, type 2A, Amish. Identifiers: Orphanet 267, MedGen C1869123, MONDO:0009675, OMIM 253600. Disease mechanism: loss of function.

gnomAD v4.1: 2 of 1,614,090 alleles (0.00012%); highest among the groups gnomAD compares: Admixed American, 0.0017%; no homozygotes.

Submissions (2):

GeneDx
Classification: Uncertain significance. Last evaluated: 2026-02-25. Review status: criteria provided, single submitter. Criteria: GeneDx Variant Classification Process June 2021. Collection method: clinical testing. Allele origin: germline.
Comment: Not observed at significant frequency in large population cohorts (gnomAD); In silico analysis suggests that this missense variant does not alter protein structure/function; Has not been previously published as pathogenic or benign to our knowledge

Labcorp Genetics (formerly Invitae), Labcorp
Classification: Uncertain significance for Autosomal recessive limb-girdle muscular dystrophy type 2A. Last evaluated: 2025-02-20. Review status: criteria provided, single submitter. Criteria: Invitae Variant Classification Sherloc (09022015). Collection method: clinical testing. Allele origin: germline.
Comment: This sequence change replaces alanine, which is neutral and non-polar, with serine, which is neutral and polar, at codon 15 of the CAPN3 protein (p.Ala15Ser). This variant is present in population databases (rs746372448, gnomAD 0.003%). This variant has not been reported in the literature in individuals affected with CAPN3-related conditions. Invitae Evidence Modeling of protein sequence and biophysical properties (such as structural, functional, and spatial information, amino acid conservation, physicochemical variation, residue mobility, and thermodynamic stability) has been performed for this missense variant. However, the output from this modeling did not meet the statistical confidence thresholds required to predict the impact of this variant on CAPN3 protein function. In summary, the available evidence is currently insufficient to determine the role of this variant in disease. Therefore, it has been classified as a Variant of Uncertain Significance.

NM_000070.3(CAPN3):c.43G>T (p.Ala15Ser)

Gene: CAPN3 (calpain 3; plus strand). Cytogenetic location: 15q15.1.
Variant type: single nucleotide variant.
Coding change: c.43G>T on transcript NM_000070.3 (MANE Select); coding-DNA position 43, G replaced by T.
Protein change: p.Ala15Ser; replaces alanine 15 with serine.
Molecular consequence: missense variant.
Genome position (GRCh38, 1-based): chr15:42,359,848, G>T. VCF-style: chr15-42359848-G-T. GRCh37 (hg19) VCF-style: chr15-42652046-G-T.
Other names: c.43G>T (NM_000070.2); c.43G>T, p.Ala15Ser (NM_024344.2, NM_173087.2); short protein forms A15S.
Identifiers: ClinVar variation 4806719 (VCV004806719.2).